The following is an entry in ClinVar:

NM_198578.4(LRRK2):c.4628T>C (p.Ile1543Thr)

Gene: LRRK2 (leucine rich repeat kinase 2; plus strand). Cytogenetic location: 12q12.
Variant type: single nucleotide variant.
Coding change: c.4628T>C on transcript NM_198578.4 (MANE Select); coding-DNA position 4628, T replaced by C.
Protein change: p.Ile1543Thr; replaces isoleucine 1543 with threonine.
Molecular consequence: missense variant.
Genome position (GRCh38, 1-based): chr12:40,314,063, T>C. VCF-style: chr12-40314063-T-C. GRCh37 (hg19) VCF-style: chr12-40707865-T-C.
Other names: short protein forms I1543T.
Identifiers: ClinVar variation 2447278 (VCV002447278.2), dbSNP rs1370827084, ClinGen allele CA384418927.

ClinVar aggregate classification (germline): Uncertain significance (1 of 4 stars; one submission).

Conditions:
Inborn genetic diseases. Identifiers: MedGen C0950123, MeSH D030342.

Allele frequency attached by ClinVar (database versions not stated): gnomAD exomes below 0.00001; TOPMed below 0.00001.
gnomAD v4.1: 1 of 1,612,680 alleles (0.000062%); highest among the groups gnomAD compares: South Asian, 0.0011%; no homozygotes.

Submission:

Ambry Genetics
Classification: Uncertain significance for Inborn genetic diseases. Last evaluated: 2022-11-26. Review status: criteria provided, single submitter. Criteria: Ambry Variant Classification Scheme 2023. Collection method: clinical testing. Allele origin: germline.
Comment: The p.I1543T variant (also known as c.4628T>C), located in coding exon 32 of the LRRK2 gene, results from a T to C substitution at nucleotide position 4628. The isoleucine at codon 1543 is replaced by threonine, an amino acid with similar properties. This amino acid position is conserved. In addition, this alteration is predicted to be tolerated by in silico analysis. Since supporting evidence is limited at this time, the clinical significance of this alteration remains unclear.